The following is an entry in ClinVar:

NM_003954.5(MAP3K14):c.2039C>T (p.Ala680Val)

Genes: MAP3K14 (mitogen-activated protein kinase kinase kinase 14; minus strand), MAP3K14-AS1 (MAP3K14 antisense RNA 1; plus strand), LOC126862575 (CDK7 strongly-dependent group 2 enhancer GRCh37_chr17:43344006-43345205; plus strand). Cytogenetic location: 17q21.31.
Variant type: single nucleotide variant.
Coding change: c.2039C>T on transcript NM_003954.5 (MANE Select); coding-DNA position 2039, C replaced by T.
Protein change: p.Ala680Val; replaces alanine 680 with valine.
Molecular consequence: missense variant.
Genome position (GRCh38, 1-based): chr17:45,267,693, G>A on the plus strand (C>T on the coding strand, the complement: MAP3K14 is on the minus strand). VCF-style: chr17-45267693-G-A. GRCh37 (hg19) VCF-style: chr17-43345060-G-A.
Other names: short protein forms A680V.
Identifiers: ClinVar variation 1014117 (VCV001014117.8), dbSNP rs375783480, ClinGen allele CA8613964.
Genomic context (GRCh38, chr17:45,267,693, plus strand): 5'-GGCCCTGGGGCCCTTGGCGAAAGCTCTCTCGGCTGGGCATGGAGGGTCTGGTGGTAATTG[G>A]CTTGATTTGGCGGTGGATGTCTTGGTTCTTTATATTCTCCCCTCCAAGGGCTCTTCAGAC-3'
Protein context (NP_003945.2, residues 670-690): KEPRHPPPNQ[Ala680Val]NYHQTLHAQP

ClinVar aggregate classification (germline): Uncertain significance (1 of 4 stars; one submission).

Conditions:
NIK deficiency. Also called: Primary immunodeficiency with multifaceted aberrant lymphoid immunity. Identifiers: Orphanet 447731, MedGen C5680065, MONDO:0018642.

Allele frequency attached by ClinVar (database versions not stated): gnomAD 0.00001; gnomAD exomes 0.00001; ExAC 0.00002; TOPMed 0.00002; ESP Exome Variant Server 0.00008.
gnomAD v4.1: 21 of 1,613,870 alleles (0.0013%); highest among the groups gnomAD compares: Middle Eastern, 0.033%; no homozygotes.

Submission:

Labcorp Genetics (formerly Invitae), Labcorp
Classification: Uncertain significance for NIK deficiency. Last evaluated: 2024-10-16. Review status: criteria provided, single submitter. Criteria: Invitae Variant Classification Sherloc (09022015). Collection method: clinical testing. Allele origin: germline.
Comment: This sequence change replaces alanine, which is neutral and non-polar, with valine, which is neutral and non-polar, at codon 680 of the MAP3K14 protein (p.Ala680Val). This variant is present in population databases (rs375783480, gnomAD 0.002%). This variant has not been reported in the literature in individuals affected with MAP3K14-related conditions. ClinVar contains an entry for this variant (Variation ID: 1014117). Experimental studies and prediction algorithms are not available or were not evaluated, and the functional significance of this variant is currently unknown. In summary, the available evidence is currently insufficient to determine the role of this variant in disease. Therefore, it has been classified as a Variant of Uncertain Significance.